The following is an entry in ClinVar:

NM_000492.4(CFTR):c.9del (p.Arg3fs)

Gene: CFTR (CF transmembrane conductance regulator; plus strand). Cytogenetic location: 7q31.2.
Variant type: Deletion.
Coding change: c.9del on transcript NM_000492.4 (MANE Select); coding-DNA position 9, one base deleted (G; older notation c.9delG).
Protein change: p.Arg3fs; shifts the reading frame from arginine 3.
Molecular consequence: frameshift variant.
Genome position (GRCh38, 1-based): chr7:117,480,103, G deleted; the last of 2 consecutive G bases (chr7:117,480,102-117,480,103); deleting either gives the same sequence. VCF-style (leftmost placement, unchanged base first): chr7-117480101-AG-A. GRCh37 (hg19) VCF-style: chr7-117120155-AG-A.
Other names: short protein forms R3fs.
Identifiers: ClinVar variation 2006304 (VCV002006304.5), dbSNP rs2484928848, ClinGen allele CA2580076282.

ClinVar aggregate classification (germline): Pathogenic/Likely pathogenic. Review status: criteria provided, multiple submitters, no conflicts (2 of 4 stars). 2 submissions from 2 submitters: Pathogenic (1); Likely pathogenic (1). Last evaluated 2023-04-19.

Conditions:
Cystic fibrosis (CF). Also called: MUCOVISCIDOSIS. Identifiers: Orphanet 586, MedGen C0010674, MONDO:0009061, OMIM 219700. Disease mechanism: loss of function.
Bronchiectasis with or without elevated sweat chloride 1 (BESC1). Also called: Cystic Fibrosis-Like Syndrome. Identifiers: Orphanet 60033, MedGen C2749757, MONDO:0008887, OMIM 211400.

Submissions (2):

Baylor Genetics
Classification: Likely pathogenic for Bronchiectasis with or without elevated sweat chloride 1. Last evaluated: 2023-04-19. Review status: criteria provided, single submitter. Criteria: ACMG Guidelines, 2015. Collection method: clinical testing. Allele origin: unknown.

Labcorp Genetics (formerly Invitae), Labcorp
Classification: Pathogenic for Cystic fibrosis. Last evaluated: 2022-06-14. Review status: criteria provided, single submitter. Criteria: Invitae Variant Classification Sherloc (09022015). Collection method: clinical testing. Allele origin: germline.
Comment: This sequence change creates a premature translational stop signal (p.Arg3Serfs*22) in the CFTR gene. It is expected to result in an absent or disrupted protein product. Loss-of-function variants in CFTR are known to be pathogenic (PMID: 1695717, 7691345, 9725922). This variant is not present in population databases (gnomAD no frequency). This variant has not been reported in the literature in individuals affected with CFTR-related conditions. For these reasons, this variant has been classified as Pathogenic.

Literature cited by the submitters: PubMed 1695717 (cited by Labcorp Genetics (formerly Invitae), Labcorp); PubMed 7691345 (cited by Labcorp Genetics (formerly Invitae), Labcorp); PubMed 9725922 (cited by Labcorp Genetics (formerly Invitae), Labcorp).